The following is an entry in ClinVar:

ClinVar aggregate classification (germline): Conflicting classifications of pathogenicity. Review status: criteria provided, conflicting classifications (1 of 4 stars). 2 submissions from 2 submitters: Uncertain significance (1); Benign (1). Last evaluated 2026-06-22.

Conditions:
Cardiovascular phenotype. Identifiers: MedGen CN230736.
Hereditary cancer-predisposing syndrome. Also called: Hereditary Cancer Syndrome; Hereditary neoplastic syndrome; Neoplastic Syndromes, Hereditary; Tumor predisposition. Identifiers: Orphanet 140162, MedGen C0027672, MeSH D009386, MONDO:0015356.

Submissions (2):

Ambry Genetics
Classification: Uncertain significance for Cardiovascular phenotype; Hereditary cancer-predisposing syndrome. Last evaluated: 2026-06-22. Review status: criteria provided, single submitter. Criteria: Ambry Variant Classification Scheme 2023. Collection method: clinical testing. Allele origin: germline.
Comment: The c.1943-3delC intronic variant, located in intron 16 of the LZTR1 gene, results from a deletion of one nucleotide within intron 16 of the LZTR1 gene. This nucleotide position is not well conserved in available vertebrate species. In silico splice site analysis predicts that this alteration may result in the creation or strengthening of a novel splice acceptor site. RNA studies have demonstrated that this variant results in a splice defect; the clinical impact of this abnormal splicing is unknown at this time (Ambry internal data). Based on the available evidence, the clinical significance of this variant remains unclear.

Labcorp Genetics (formerly Invitae), Labcorp
Classification: Benign. Last evaluated: 2025-03-02. Review status: criteria provided, single submitter. Criteria: Invitae Variant Classification Sherloc (09022015). Collection method: clinical testing. Allele origin: germline.

NM_006767.4(LZTR1):c.1943-3del

Gene: LZTR1 (leucine zipper like post translational regulator 1; plus strand). Cytogenetic location: 22q11.21.
Variant type: Deletion.
Coding change: c.1943-3del on transcript NM_006767.4 (MANE Select); 3 bases into the intron before coding-DNA position 1943, one base deleted (C; older notation c.1943-3delC).
Molecular consequence: intron variant.
Genome position (GRCh38, 1-based): chr22:20,995,743, C deleted; the last of 5 consecutive C bases (chr22:20,995,739-20,995,743); deleting any one gives the same sequence. VCF-style (leftmost placement, unchanged base first): chr22-20995738-AC-A. GRCh37 (hg19) VCF-style: chr22-21350027-AC-A.
Identifiers: ClinVar variation 1783083 (VCV001783083.5), dbSNP rs1271630029, ClinGen allele CA638942510.
Genomic context (GRCh38, chr22:20,995,738, plus strand): 5'-GGTAGTGCCGTGGGGCCCCAAGGCCAGAATCCCAGGCTGTACCTGCTCAGGGACCCTCCT[AC>A]CCCCAGGCACATCTCTGATCCAGGACATGAAGGCATACCTGGAGGGAGCGGGCGCGGAAT-3'